The following is an entry in ClinVar:

ClinVar aggregate classification (germline): Uncertain significance (1 of 4 stars; one submission).

Conditions:
Inborn genetic diseases. Identifiers: MedGen C0950123, MeSH D030342.

Submission:

Ambry Genetics
Classification: Uncertain significance for Inborn genetic diseases. Last evaluated: 2026-03-06. Review status: criteria provided, single submitter. Criteria: Ambry Variant Classification Scheme 2023. Collection method: clinical testing. Allele origin: germline.
Comment: The p.K850N variant (also known as c.2550A>C), located in coding exon 1 of the SAMD9L gene, results from an A to C substitution at nucleotide position 2550. The lysine at codon 850 is replaced by asparagine, an amino acid with similar properties. This amino acid position is conserved. In addition, this alteration is predicted to be tolerated by in silico analysis. Based on the available evidence, the clinical significance of this variant remains unclear.

NM_152703.5(SAMD9L):c.2550A>C (p.Lys850Asn)

Gene: SAMD9L (sterile alpha motif domain containing 9 like; minus strand). Cytogenetic location: 7q21.2.
Variant type: single nucleotide variant.
Coding change: c.2550A>C on transcript NM_152703.5 (MANE Select); coding-DNA position 2550, A replaced by C.
Protein change: p.Lys850Asn; replaces lysine 850 with asparagine.
Molecular consequence: missense variant.
Genome position (GRCh38, 1-based): chr7:93,133,422, T>G on the plus strand (A>C on the coding strand, the complement: SAMD9L is on the minus strand). VCF-style: chr7-93133422-T-G. GRCh37 (hg19) VCF-style: chr7-92762735-T-G.
Other names: c.2550A>C, p.Lys850Asn (NM_001303496.3, NM_001303497.3, NM_001303498.3 and 5 more transcripts); short protein forms K850N.
Identifiers: ClinVar variation 4826185 (VCV004826185.1).
Genomic context (GRCh38, chr7:93,133,422, plus strand): 5'-ACCAAAAGCTCTTTGTTCCTTGGAAGAAAGTTGGTAATTTAGTGCAATACTGTCTGCCAA[T>G]TTTGCACTTTCATCTGGATTCCGGGATCTCATGCAGTTTAAGATAATTACCAATGTTTTT-3'
Protein context (NP_689916.2, residues 840-860): MRSRNPDESA[Lys850Asn]LADSIALNYQ